The following is an entry in ClinVar:

ClinVar aggregate classification (germline): Pathogenic. Review status: criteria provided, multiple submitters, no conflicts (2 of 4 stars). 3 submissions from 3 submitters: Pathogenic (3). Last evaluated 2024-06-17.

Conditions:
Wiedemann-Steiner syndrome (WDSTS). Also called: Growth deficiency and mental retardation with facial dysmorphism. Identifiers: Orphanet 319182, MedGen C1854630, MONDO:0011518, OMIM 605130.

Submissions (3):

GeneDx
Classification: Pathogenic. Last evaluated: 2024-06-17. Review status: criteria provided, single submitter. Criteria: GeneDx Variant Classification Process June 2021. Collection method: clinical testing. Allele origin: germline. Affected: yes.
Comment: Nonsense variant predicted to result in protein truncation or nonsense mediated decay in a gene for which loss of function is a known mechanism of disease; Not observed at significant frequency in large population cohorts (gnomAD); This variant is associated with the following publications: (PMID: 33057194, 35982159, Fontana2020[Article], 31337854)

3billion
Classification: Pathogenic for Wiedemann-Steiner syndrome. Last evaluated: 2022-01-03. Review status: criteria provided, single submitter. Criteria: ACMG Guidelines, 2015. Collection method: clinical testing. Allele origin: germline. Affected: yes. Observed: 1 heterozygote.
Comment: Stop-gained (nonsense): predicted to result in a loss or disruption of normal protein function through nonsense-mediated decay (NMD) or protein truncation. Multiple pathogenic variants are reported downstream of the variant (PVS1_VS).The variant has been reported to be associated with KMT2A related disorder (ClinVar ID: VCV000802798).It is not observed in the gnomAD v2.1.1 dataset (PM2_M). The variant has been previously reported as de novo in a similarly affected individual (PMID:31337854, PS2_S). Therefore, this variant is classified as pathogenic according to the recommendation of ACMG/AMP guideline.

Mendelics
Classification: Pathogenic for Wiedemann-Steiner syndrome. Last evaluated: 2019-05-28. Review status: criteria provided, single submitter. Criteria: Mendelics Assertion Criteria 2017. Collection method: clinical testing. Allele origin: unknown.

Literature cited by the submitters: PubMed 31337854 (cited by 3billion).

NM_001197104.2(KMT2A):c.3592C>T (p.Gln1198Ter)

Gene: KMT2A (lysine methyltransferase 2A; plus strand). Cytogenetic location: 11q23.3.
Variant type: single nucleotide variant.
Coding change: c.3592C>T on transcript NM_001197104.2 (MANE Select); coding-DNA position 3592, C replaced by T.
Protein change: p.Gln1198Ter; replaces glutamine 1198 with a stop codon.
Molecular consequence: nonsense.
Genome position (GRCh38, 1-based): chr11:118,480,196, C>T. VCF-style: chr11-118480196-C-T. GRCh37 (hg19) VCF-style: chr11-118350911-C-T.
Other names: c.3592C>T (NM_001197104.1); c.3592C>T, p.Gln1198Ter (NM_005933.4); short protein forms Q1198*.
Identifiers: ClinVar variation 802798 (VCV000802798.3), dbSNP rs1591383060, ClinGen allele CA382826345.